The following is an entry in ClinVar:

NM_000153.4(GALC):c.49A>G (p.Met17Val)

Gene: GALC (galactosylceramidase; minus strand). Cytogenetic location: 14q31.3.
Variant type: single nucleotide variant.
Coding change: c.49A>G on transcript NM_000153.4 (MANE Select); coding-DNA position 49, A replaced by G.
Protein change: p.Met17Val; replaces methionine 17 with valine.
Molecular consequence: missense variant. On other transcripts: intron variant (1).
Genome position (GRCh38, 1-based): chr14:87,993,116, T>C on the plus strand (A>G on the coding strand, the complement: GALC is on the minus strand). VCF-style: chr14-87993116-T-C. GRCh37 (hg19) VCF-style: chr14-88459460-T-C.
Other names: c.49A>G, p.Met17Val (NM_001201401.2); c.117+267A>G (NM_001201402.2); short protein forms M17V.
Identifiers: ClinVar variation 558786 (VCV000558786.16), dbSNP rs376662045, ClinGen allele CA7297521.
Genomic context (GRCh38, chr14:87,993,116, plus strand): 5'-GCAGCGCACACAGCAGCAAGGGCACCGCGGCGCGGCCCGCCGAACCCGCGGCCGCAGTCA[T>C]AGCTTTCGCTCGGCGTTGCCAGGAAGCCGAGAGTAGCCACTCAGCCATTGTGTGGGTCAC-3'
Protein context (NP_000144.2, residues 7-27): SASWQRRAKA[Met17Val]TAAAGSAGRA

ClinVar aggregate classification (germline): Conflicting classifications of pathogenicity. Review status: criteria provided, conflicting classifications (1 of 4 stars). 5 submissions from 5 submitters: Uncertain significance (3); Likely benign (1). 1 of the submissions does not count toward it. Last evaluated 2026-01-19.

Conditions:
Galactosylceramide beta-galactosidase deficiency. Also called: Leukodystrophy, Globoid Cell; Krabbe Disease; GALACTOCEREBROSIDASE DEFICIENCY; GALC DEFICIENCY; GLOBOID CELL LEUKOENCEPHALOPATHY. Identifiers: Orphanet 487, MedGen C0023521, MONDO:0009499, OMIM 245200.

Allele frequency attached by ClinVar (database versions not stated): ExAC 0.00024; gnomAD 0.00029; TOPMed 0.00038; ESP Exome Variant Server 0.00057.

Submissions (5):

Labcorp Genetics (formerly Invitae), Labcorp
Classification: Likely benign for Galactosylceramide beta-galactosidase deficiency. Last evaluated: 2026-01-19. Review status: criteria provided, single submitter. Criteria: Invitae Variant Classification Sherloc (09022015). Collection method: clinical testing. Allele origin: germline.

GeneDx
Classification: Uncertain significance. Last evaluated: 2023-11-05. Review status: criteria provided, single submitter. Criteria: GeneDx Variant Classification Process June 2021. Collection method: clinical testing. Allele origin: germline. Affected: yes.
Comment: Identified in a patient with low galactocerebrosidase activity on newborn screening (PMID: 26795590); In silico analysis supports that this missense variant does not alter protein structure/function; Also known as c. 1 A>G; This variant is associated with the following publications: (PMID: 26795590)

Women's Health and Genetics/Laboratory Corporation of America, LabCorp
Classification: Uncertain significance. Last evaluated: 2021-10-31. Review status: criteria provided, single submitter. Criteria: LabCorp Variant Classification Summary - May 2015. Collection method: clinical testing. Allele origin: germline.
Comment: Variant summary: GALC c.49A>G (p.Met17Val) results in a conservative amino acid change in the encoded protein sequence. Three of five in-silico tools predict a benign effect of the variant on protein function. The variant allele was found at a frequency of 0.00011 in 195296 control chromosomes, predominantly at a frequency of 0.0021 within the African or African-American subpopulation in the gnomAD database. This frequency is not significantly higher than expected for a pathogenic variant in GALC causing Krabbe Disease (0.00011 vs 0.0022), allowing no conclusion about variant significance. c.49A>G has been reported in the literature in at-least one allele as a non-informative genotype in a study of 348 infants with low GALC activity by newborn screening referred for diagnostic testing (exaample, Orsini_2016). These report(s) do not provide unequivocal conclusions about association of the variant with Krabbe Disease. To our knowledge, no experimental evidence demonstrating an impact on protein function has been reported. One clinical diagnostic laboratory has submitted clinical-significance assessments for this variant to ClinVar after 2014 without evidence for independent evaluation. One laboratory classified the variant as uncertain significance. Based on the evidence outlined above, the variant was classified as uncertain significance.

Revvity Omics, Revvity
Classification: Uncertain significance. Last evaluated: 2021-08-16. Review status: criteria provided, single submitter. Criteria: ACMG Guidelines, 2015. Collection method: clinical testing. Allele origin: germline.

Mayo Clinic Laboratories, Mayo Clinic
Classification: Uncertain significance. Last evaluated: 2018-02-08. Review status: no assertion criteria provided. Collection method: clinical testing. Allele origin: unknown. Not counted in ClinVar's aggregate classification.

Literature cited by the submitters: PubMed 26795590 (cited by Women's Health and Genetics/Laboratory Corporation of America, LabCorp).